The following is an entry in ClinVar:

ClinVar aggregate classification (germline): Likely benign (0 of 4 stars; one submission).

Conditions:
MATR3-related disorder. Also called: MATR3-related condition.

Submission:

PreventionGenetics, part of Exact Sciences
Classification: Likely benign for MATR3-related condition. Last evaluated: 2024-08-01. Review status: no assertion criteria provided. Collection method: clinical testing. Allele origin: germline.
Comment: This variant is classified as likely benign based on ACMG/AMP sequence variant interpretation guidelines (Richards et al. 2015 PMID: 25741868, with internal and published modifications).

NM_018834.6(MATR3):c.2358C>A (p.Pro786=)

Gene: MATR3 (matrin 3; plus strand). Cytogenetic location: 5q31.2.
Variant type: single nucleotide variant.
Coding change: c.2358C>A on transcript NM_018834.6 (MANE Select); coding-DNA position 2358, C replaced by A.
Protein change: p.Pro786=; no amino-acid change (proline 786 retained).
Molecular consequence: synonymous variant.
Genome position (GRCh38, 1-based): chr5:139,325,649, C>A. VCF-style: chr5-139325649-C-A. GRCh37 (hg19) VCF-style: chr5-138661338-C-A.
Other names: c.2358C>A, p.Pro786= (NM_001194954.2, NM_001194955.2, NM_001400447.1 and 11 more transcripts); c.1494C>A, p.Pro498= (NM_001194956.2); c.1344C>A, p.Pro448= (NM_001282278.2, NM_001400462.1, NM_001400463.1 and 4 more transcripts); c.2502C>A, p.Pro834= (NM_001400441.1, NM_001400442.1, NM_001400443.1 and 2 more transcripts); c.1497C>A, p.Pro499= (NM_001400459.1); c.1488C>A, p.Pro496= (NM_001400460.1); c.1458C>A, p.Pro486= (NM_001400461.1).
Identifiers: ClinVar variation 3345017 (VCV003345017.1).